The following is an entry in ClinVar:

ClinVar aggregate classification (germline): Uncertain significance (1 of 4 stars; one submission).

Conditions:
Bardet-Biedl syndrome (BBS). Identifiers: Orphanet 110, MedGen C0752166, MONDO:0015229.

Submission:

Labcorp Genetics (formerly Invitae), Labcorp
Classification: Uncertain significance for Bardet-Biedl syndrome. Last evaluated: 2022-09-10. Review status: criteria provided, single submitter. Criteria: Invitae Variant Classification Sherloc (09022015). Collection method: clinical testing. Allele origin: germline.
Comment: This variant has not been reported in the literature in individuals affected with BBS1-related conditions. Algorithms developed to predict the effect of missense changes on protein structure and function are either unavailable or do not agree on the potential impact of this missense change (SIFT: "Deleterious"; PolyPhen-2: "Probably Damaging"; Align-GVGD: "Class C0"). In summary, the available evidence is currently insufficient to determine the role of this variant in disease. Therefore, it has been classified as a Variant of Uncertain Significance. This variant is not present in population databases (gnomAD no frequency). This sequence change replaces aspartic acid, which is acidic and polar, with tyrosine, which is neutral and polar, at codon 145 of the BBS1 protein (p.Asp145Tyr).

NM_024649.5(BBS1):c.433G>T (p.Asp145Tyr)

Gene: BBS1 (Bardet-Biedl syndrome 1; plus strand). Cytogenetic location: 11q13.2.
Variant type: single nucleotide variant.
Coding change: c.433G>T on transcript NM_024649.5 (MANE Select); coding-DNA position 433, G replaced by T.
Protein change: p.Asp145Tyr; replaces aspartic acid 145 with tyrosine.
Molecular consequence: missense variant.
Genome position (GRCh38, 1-based): chr11:66,515,540, G>T. VCF-style: chr11-66515540-G-T. GRCh37 (hg19) VCF-style: chr11-66283011-G-T.
Other names: short protein forms D145Y.
Identifiers: ClinVar variation 1719208 (VCV001719208.5), dbSNP rs2495739797, ClinGen allele CA381457285.
Genomic context (GRCh38, chr11:66,515,540, plus strand): 5'-GTAGACATTGGGTTTCCTGCCTGGCTTGAGCTCACAGGCTCTCTTCCCACATTGTCACAG[G>T]ACCGAATCGACCCCTTAACCCTGAAGGAGATGCTGGAGAGCATCCGGTGAGAGGCTGCCT-3'
Protein context (NP_078925.3, residues 135-155): EQDLWNQAKE[Asp145Tyr]RIDPLTLKEM